The following is an entry in ClinVar:

ClinVar aggregate classification (germline): Conflicting classifications of pathogenicity. Review status: criteria provided, conflicting classifications (1 of 4 stars). 9 submissions from 9 submitters: Uncertain significance (7); Likely benign (1). 1 of the submissions does not count toward it. Last evaluated 2026-02-03.

Conditions:
Hereditary breast ovarian cancer syndrome. Also called: Hereditary breast and ovarian cancer syndrome; Hereditary breast and ovarian cancer syndrome (HBOC); BRCA1- and BRCA2-Associated Hereditary Breast and Ovarian Cancer; Breast and ovarian cancer; Hereditary breast and ovarian cancer; Hereditary breast and/or ovarian cancer syndrome. Identifiers: Orphanet 145, MedGen C0677776, MeSH D061325, MONDO:0003582. Disease mechanism: loss of function.
Breast-ovarian cancer, familial, susceptibility to, 1 (BROVCA1). Also called: OVARIAN CANCER, SUSCEPTIBILITY TO; BRCA1 Hereditary Breast and Ovarian Cancer. Identifiers: Orphanet 145, MedGen C2676676, MONDO:0011450, OMIM 604370. Disease mechanism: loss of function.
Hereditary cancer-predisposing syndrome. Also called: Hereditary Cancer Syndrome; Hereditary neoplastic syndrome; Tumor predisposition; Neoplastic Syndromes, Hereditary. Identifiers: Orphanet 140162, MedGen C0027672, MeSH D009386, MONDO:0015356.

Allele frequency attached by ClinVar (database versions not stated): gnomAD exomes below 0.00001; gnomAD 0.00001; TOPMed 0.00001.

Submissions (9):

Women's Health and Genetics/Laboratory Corporation of America, LabCorp
Classification: Uncertain significance. Last evaluated: 2026-02-03. Review status: criteria provided, single submitter. Criteria: LabCorp Variant Classification Summary - May 2015. Collection method: clinical testing. Allele origin: germline.
Comment: Variant summary: BRCA1 c.788G>A (p.Gly263Asp) results in a non-conservative amino acid change in the encoded protein sequence. Algorithms developed to predict the effect of missense changes on protein structure and function are either unavailable or do not agree on the potential impact of this missense change. The variant was absent in 249270 control chromosomes. The available data on variant occurrences in the general population are insufficient to allow any conclusion about variant significance. c.788G>A has been observed in at least one individual affected with breast cancer without evidence of causality (e.g. Calfa_2024). These report(s) do not provide unequivocal conclusions about association of the variant with Hereditary Breast And Ovarian Cancer Syndrome. To our knowledge, no experimental evidence demonstrating an impact on protein function has been reported. The following publication has been ascertained in the context of this evaluation (PMID: 38354330). ClinVar contains an entry for this variant (Variation ID: 182127). Based on the evidence outlined above, the variant was classified as uncertain significance.

Labcorp Genetics (formerly Invitae), Labcorp
Classification: Uncertain significance for Hereditary breast ovarian cancer syndrome. Last evaluated: 2025-10-07. Review status: criteria provided, single submitter. Criteria: Invitae Variant Classification Sherloc (09022015). Collection method: clinical testing. Allele origin: germline.
Comment: This sequence change replaces glycine, which is neutral and non-polar, with aspartic acid, which is acidic and polar, at codon 263 of the BRCA1 protein (p.Gly263Asp). This variant is not present in population databases (gnomAD no frequency). This variant has not been reported in the literature in individuals affected with BRCA1-related conditions. ClinVar contains an entry for this variant (Variation ID: 182127). Invitae Evidence Modeling of protein sequence and biophysical properties (such as structural, functional, and spatial information, amino acid conservation, physicochemical variation, residue mobility, and thermodynamic stability) indicates that this missense variant is not expected to disrupt BRCA1 protein function with a negative predictive value of 80%. In summary, the available evidence is currently insufficient to determine the role of this variant in disease. Therefore, it has been classified as a Variant of Uncertain Significance.

Ambry Genetics
Classification: Uncertain significance for Hereditary cancer-predisposing syndrome. Last evaluated: 2025-03-31. Review status: criteria provided, single submitter. Criteria: Ambry Variant Classification Scheme 2023. Collection method: clinical testing. Allele origin: germline.
Comment: The p.G263D variant (also known as c.788G>A), located in coding exon 9 of the BRCA1 gene, results from a G to A substitution at nucleotide position 788. The glycine at codon 263 is replaced by aspartic acid, an amino acid with similar properties. This amino acid position is not well conserved in available vertebrate species. In addition, the in silico prediction for this alteration is inconclusive. Based on the available evidence, the clinical significance of this variant remains unclear.

Color Diagnostics, LLC DBA Color Health
Classification: Uncertain significance for Hereditary cancer-predisposing syndrome. Last evaluated: 2024-12-17. Review status: criteria provided, single submitter. Criteria: ACMG Guidelines, 2015. Collection method: clinical testing. Allele origin: germline.
Comment: This missense variant replaces glycine with aspartic acid at codon 263 of the BRCA1 protein. Computational prediction is inconclusive regarding the impact of this variant on protein structure and function. To our knowledge, functional studies have not been reported for this variant. A multifactorial analysis has reported a likelihood ratio for pathogenicity based on personal and family history of 0.007 from log(LR)=-2.185183764 for one carrier (PMID: 31853058). This variant has not been identified in the general population by the Genome Aggregation Database (gnomAD). The available evidence is insufficient to determine the role of this variant in disease conclusively. Therefore, this variant is classified as a Variant of Uncertain Significance.

All of Us Research Program, National Institutes of Health
Classification: Uncertain significance for Breast-ovarian cancer, familial, susceptibility to, 1. Last evaluated: 2023-12-13. Review status: criteria provided, single submitter. Criteria: ACMG Guidelines, 2015. Collection method: clinical testing. Allele origin: germline. Inheritance: Autosomal dominant inheritance. Observed: 2 variant alleles, 2 heterozygotes.
Comment: This missense variant replaces glycine with aspartic acid at codon 263 of the BRCA1 protein. Computational prediction is inconclusive regarding the impact of this variant on protein structure and function (internally defined REVEL score threshold 0.5 < inconclusive < 0.7, PMID: 27666373). Splice site prediction tools suggest that this variant may not impact RNA splicing. To our knowledge, functional studies have not been performed for this variant. This variant has not been reported in individuals affected with hereditary cancer in the literature. This variant has not been identified in the general population by the Genome Aggregation Database (gnomAD). The available evidence is insufficient to determine the role of this variant in disease conclusively. Therefore, this variant is classified as a Variant of Uncertain Significance.

This study involves interpretation of variants in research participants for the purpose of population health screening. Participant phenotype was not available at the time of variant classification. Additional details can be found in publication PMID: 35346344, PMCID: PMC8962531

GeneDx
Classification: Uncertain significance. Last evaluated: 2023-10-25. Review status: criteria provided, single submitter. Criteria: GeneDx Variant Classification Process June 2021. Collection method: clinical testing. Allele origin: germline. Affected: yes.
Comment: Not observed at significant frequency in large population cohorts (gnomAD); In silico analysis supports that this missense variant does not alter protein structure/function; Has not been previously published as pathogenic or benign to our knowledge; Also known as 907G>A; This variant is associated with the following publications: (PMID: 20215511, 9582019, 9926942, 9788437, 15343273)

University of Washington Department of Laboratory Medicine, University of Washington
Classification: Likely benign for Hereditary cancer-predisposing syndrome. Last evaluated: 2023-03-23. Review status: criteria provided, single submitter. Criteria: Dines et al. (Genet Med. 2020). Collection method: curation. Allele origin: germline.
Comment: Missense variant in a coldspot region where missense variants are very unlikely to be pathogenic (PMID:31911673).

BRCA1 coldspot (exon 11 using historical exon numbering). Reclassification based on statistical prior probability

Quest Diagnostics Nichols Institute San Juan Capistrano
Classification: Uncertain significance. Last evaluated: 2021-01-29. Review status: criteria provided, single submitter. Criteria: Quest Diagnostics criteria. Collection method: clinical testing. Allele origin: unknown.

Counsyl
Classification: Uncertain significance for Breast-ovarian cancer, familial, susceptibility to, 1. Last evaluated: 2016-03-11. Review status: no assertion criteria provided. Collection method: clinical testing. Allele origin: unknown. Not counted in ClinVar's aggregate classification.

Literature cited by the submitters: PubMed 38354330 (cited by Women's Health and Genetics/Laboratory Corporation of America, LabCorp); PubMed 31853058 (cited by Color Diagnostics, LLC DBA Color Health).

NM_007294.4(BRCA1):c.788G>A (p.Gly263Asp)

Gene: BRCA1 (BRCA1 DNA repair associated; minus strand). Cytogenetic location: 17q21.31.
Variant type: single nucleotide variant.
Coding change: c.788G>A on transcript NM_007294.4 (MANE Select); coding-DNA position 788, G replaced by A.
Protein change: p.Gly263Asp; replaces glycine 263 with aspartic acid.
Molecular consequence: missense variant. On other transcripts: splice donor variant (123), intron variant (13), 5 prime UTR variant (2).
Genome position (GRCh38, 1-based): chr17:43,094,743, C>T on the plus strand (G>A on the coding strand, the complement: BRCA1 is on the minus strand). VCF-style: chr17-43094743-C-T. GRCh37 (hg19) VCF-style: chr17-41246760-C-T.
Other names: p.G263D:GGT>GAT; c.523+1G>A (NM_001408497.1, NM_001408496.1, NM_001408498.1 and 3 more transcripts); c.787+1G>A (NM_001407973.1, NM_001407980.1, NM_001407993.1 and 19 more transcripts); c.404-3711G>A (NM_001408511.1); c.646+1G>A (NM_001408457.1, NM_001408460.1, NM_001408454.1 and 11 more transcripts); c.520+1G>A (NM_001408505.1, NM_001408503.1, NM_001408504.1); c.460+1103G>A (NM_001408507.1, NM_001408506.1); c.545-3711G>A (NM_001408495.1); and 40 more; short protein forms G263D, G216D, G135D, G151D, G175D, G136D, G222D, G237D.
Identifiers: ClinVar variation 182127 (VCV000182127.33), dbSNP rs397509319, ClinGen allele CA003870.